The following is an entry in ClinVar:

NM_001267550.2(TTN):c.11311+3866C>T

Gene: TTN (titin; minus strand). Cytogenetic location: 2q31.2.
Variant type: single nucleotide variant.
Coding change: c.11311+3866C>T on transcript NM_001267550.2 (MANE Select); 3866 bases into the intron after coding-DNA position 11311, C replaced by T.
Molecular consequence: intron variant. On other transcripts: missense variant (1).
Genome position (GRCh38, 1-based): chr2:178,749,258, G>A on the plus strand (C>T on the coding strand, the complement: TTN is on the minus strand). VCF-style: chr2-178749258-G-A. GRCh37 (hg19) VCF-style: chr2-179613985-G-A.
Other names: c.13142C>T, p.Pro4381Leu (NM_133379.5); c.10222+3866C>T (NM_003319.4); c.10798+3866C>T (NM_133437.4); c.10597+3866C>T (NM_133432.3); c.10360+3866C>T (NM_133378.4, NM_001256850.1); short protein forms P4381L.
Identifiers: ClinVar variation 4076430 (VCV004076430.1), dbSNP rs745413195.
Genomic context (GRCh38, chr2:178,749,258, plus strand): 5'-TTTCCAAAATTATTTCTTATTTCTTTCTTAATAGTGACATCACTGAAATCATCAACAAAT[G>A]GATAAACAGTACCCTCTGCTTGGTGCAGCTTTGATTTTTCACTTACATGTCTCTCTTTCC-3'

ClinVar aggregate classification (germline): Likely benign (1 of 4 stars; one submission).

gnomAD v4.1: 1 of 1,611,642 alleles (0.000062%); highest among the groups gnomAD compares: Admixed American, 0.0017%; no homozygotes.

Submission:

Molecular Diagnostic Laboratory for Inherited Cardiovascular Disease, Montreal Heart Institute
Classification: Likely benign. Last evaluated: 2025-07-24. Review status: criteria provided, single submitter. Criteria: ACMG Guidelines, 2015. Collection method: clinical testing. Allele origin: germline. Affected: no.
Comment: BP1